The following is an entry in ClinVar:

ClinVar aggregate classification (germline): Uncertain significance (1 of 4 stars; one submission).

Conditions:
Brachyolmia-amelogenesis imperfecta syndrome. Also called: Tooth agenesis, selective, 6; Dental anomalies and short stature; PLATYSPONDYLY WITH AMELOGENESIS IMPERFECTA. Identifiers: Orphanet 2899, MedGen C1832594, MONDO:0011018, OMIM 601216. Disease mechanism: loss of function.

Submission:

Labcorp Genetics (formerly Invitae), Labcorp
Classification: Uncertain significance for Brachyolmia-amelogenesis imperfecta syndrome. Last evaluated: 2023-03-19. Review status: criteria provided, single submitter. Criteria: Invitae Variant Classification Sherloc (09022015). Collection method: clinical testing. Allele origin: germline.
Comment: This sequence change replaces cysteine, which is neutral and slightly polar, with glycine, which is neutral and non-polar, at codon 123 of the LTBP3 protein (p.Cys123Gly). This variant is not present in population databases (gnomAD no frequency). This variant has not been reported in the literature in individuals affected with LTBP3-related conditions. An algorithm developed to predict the effect of missense changes on protein structure and function (PolyPhen-2) suggests that this variant is likely to be disruptive. In summary, the available evidence is currently insufficient to determine the role of this variant in disease. Therefore, it has been classified as a Variant of Uncertain Significance.

NM_001130144.3(LTBP3):c.367T>G (p.Cys123Gly)

Gene: LTBP3 (latent transforming growth factor beta binding protein 3; minus strand). Cytogenetic location: 11q13.1.
Variant type: single nucleotide variant.
Coding change: c.367T>G on transcript NM_001130144.3 (MANE Select); coding-DNA position 367, T replaced by G.
Protein change: p.Cys123Gly; replaces cysteine 123 with glycine.
Molecular consequence: missense variant.
Genome position (GRCh38, 1-based): chr11:65,554,345, A>C on the plus strand (T>G on the coding strand, the complement: LTBP3 is on the minus strand). VCF-style: chr11-65554345-A-C. GRCh37 (hg19) VCF-style: chr11-65321816-A-C.
Other names: c.16T>G, p.Cys6Gly (NM_001164266.1); c.367T>G, p.Cys123Gly (NM_021070.4); short protein forms C123G, C6G.
Identifiers: ClinVar variation 2847440 (VCV002847440.3), dbSNP rs2496178641, ClinGen allele CA381276765.